The following is an entry in ClinVar:

NM_001277313.2(FMN1):c.4204A>G (p.Thr1402Ala)

Gene: FMN1 (formin 1; minus strand). Cytogenetic location: 15q13.3.
Variant type: single nucleotide variant.
Coding change: c.4204A>G on transcript NM_001277313.2 (MANE Select); coding-DNA position 4204, A replaced by G.
Protein change: p.Thr1402Ala; replaces threonine 1402 with alanine.
Molecular consequence: missense variant.
Genome position (GRCh38, 1-based): chr15:32,776,846, T>C on the plus strand (A>G on the coding strand, the complement: FMN1 is on the minus strand). VCF-style: chr15-32776846-T-C. GRCh37 (hg19) VCF-style: chr15-33069047-T-C.
Other names: c.3535A>G, p.Thr1179Ala (NM_001103184.4); c.3535A>G (NM_001103184.2); short protein forms T1179A, T1402A.
Identifiers: ClinVar variation 3713727 (VCV003713727.3).

ClinVar aggregate classification (germline): Uncertain significance. Review status: criteria provided, multiple submitters, no conflicts (2 of 4 stars). 2 submissions from 2 submitters: Uncertain significance (2). Last evaluated 2025-12-16.

gnomAD v4.1: 87 of 1,583,520 alleles (0.0055%); highest among the groups gnomAD compares: Middle Eastern, 0.066%; 1 homozygote.

Submissions (2):

Labcorp Genetics (formerly Invitae), Labcorp
Classification: Uncertain significance. Last evaluated: 2025-12-16. Review status: criteria provided, single submitter. Criteria: Invitae Variant Classification Sherloc (09022015). Collection method: clinical testing. Allele origin: germline.
Comment: This sequence change replaces threonine, which is neutral and polar, with alanine, which is neutral and non-polar, at codon 1179 of the FMN1 protein (p.Thr1179Ala). This variant is present in population databases (rs774106707, gnomAD 0.02%). This variant has not been reported in the literature in individuals affected with FMN1-related conditions. ClinVar contains an entry for this variant (Variation ID: 3713727). An algorithm developed to predict the effect of missense changes on protein structure and function (PolyPhen-2) suggests that this variant is likely to be tolerated. In summary, the available evidence is currently insufficient to determine the role of this variant in disease. Therefore, it has been classified as a Variant of Uncertain Significance.

Ambry Genetics
Classification: Uncertain significance. Last evaluated: 2025-12-02. Review status: criteria provided, single submitter. Criteria: Ambry Variant Classification Scheme 2023. Collection method: clinical testing. Allele origin: germline.